The following is an entry in ClinVar:

NM_080669.6(SLC46A1):c.1173_1174del (p.Ser393fs)

Genes: SARM1 (sterile alpha and TIR motif containing 1; plus strand), SLC46A1 (solute carrier family 46 member 1; minus strand). Cytogenetic location: 17q11.2.
Variant type: Microsatellite.
Coding change: c.1173_1174del on transcript NM_080669.6 (MANE Select); coding-DNA positions 1173 to 1174, 2 bases deleted (CT; older notation c.1173_1174delCT).
Protein change: p.Ser393fs; shifts the reading frame from serine 393.
Molecular consequence: frameshift variant. On other transcripts: 3 prime UTR variant (1).
Genome position (GRCh38, 1-based): chr17:28,400,758-28,400,759, AG deleted on the plus strand (CT on the coding strand, the reverse complement: SLC46A1 is on the minus strand); deleting any 2 consecutive bases within chr17:28,400,758-28,400,763 gives the same sequence; the c. name uses the placement nearest the transcript's 3' end. VCF-style (leftmost placement, unchanged base first): chr17-28400757-AAG-A. GRCh37 (hg19) VCF-style: chr17-26727774-AAG-A.
Other names: p.Ser393CysfsTer7; c.1173_1174delCT (NM_080669.6); c.1089_1090del, p.Ser365fs (NM_001242366.3); c.*4472AG[2] (NM_015077.4); short protein forms S365fs, S393fs.
Identifiers: ClinVar variation 3255576 (VCV003255576.2).

ClinVar aggregate classification (germline): Likely pathogenic (1 of 4 stars; one submission).

Conditions:
Congenital defect of folate absorption. Also called: Hereditary Folate Malabsorption. Identifiers: Orphanet 90045, MedGen C0342705, MONDO:0009238, OMIM 229050.

Submission:

Breakthrough Genomics
Classification: Likely pathogenic for Congenital defect of folate absorption. Last evaluated: 2021-12-08. Review status: criteria provided, single submitter. Criteria: ACMG Guidelines, 2015. Collection method: clinical testing. Allele origin: germline. Affected: yes.
Comment: This variant seems to be a novel variant, as it has not been previously reported in population databases or in the literature. However, several other truncating variants in this gene have been previously reported as pathogenic in the ClinVar database context of congenital defect of folate absorption.